The following is an entry in ClinVar:

NM_000330.4(RS1):c.302C>A (p.Ala101Asp)

Genes: CDKL5 (cyclin dependent kinase like 5; plus strand), RS1 (retinoschisin 1; minus strand). Cytogenetic location: Xp22.13.
Variant type: single nucleotide variant.
Coding change: c.302C>A on transcript NM_000330.4 (MANE Select); coding-DNA position 302, C replaced by A.
Protein change: p.Ala101Asp; replaces alanine 101 with aspartic acid.
Molecular consequence: missense variant. On other transcripts: intron variant (2).
Genome position (GRCh38, 1-based): chrX:18,647,215, G>T on the plus strand (C>A on the coding strand, the complement: RS1 is on the minus strand). VCF-style: chrX-18647215-G-T. GRCh37 (hg19) VCF-style: chrX-18665335-G-T.
Other names: c.2797+1125G>T (NM_003159.3, NM_001037343.2); short protein forms A101D.
Identifiers: ClinVar variation 1494575 (VCV001494575.9), dbSNP rs2147193941, ClinGen allele CA412372718.

ClinVar aggregate classification (germline): Likely pathogenic (1 of 4 stars; one submission).

Submission:

Labcorp Genetics (formerly Invitae), Labcorp
Classification: Likely pathogenic. Last evaluated: 2024-02-23. Review status: criteria provided, single submitter. Criteria: Invitae Variant Classification Sherloc (09022015). Collection method: clinical testing. Allele origin: germline.
Comment: This sequence change replaces alanine, which is neutral and non-polar, with aspartic acid, which is acidic and polar, at codon 101 of the RS1 protein (p.Ala101Asp). This variant is not present in population databases (gnomAD no frequency). This missense change has been observed in individual(s) with clinical features of X-linked juvenile retinoschisis (Invitae). ClinVar contains an entry for this variant (Variation ID: 1494575). Advanced modeling of protein sequence and biophysical properties (such as structural, functional, and spatial information, amino acid conservation, physicochemical variation, residue mobility, and thermodynamic stability) performed at Invitae indicates that this missense variant is expected to disrupt RS1 protein function with a positive predictive value of 95%. This variant disrupts the p.Ala101 amino acid residue in RS1. Other variant(s) that disrupt this residue have been determined to be pathogenic (PMID: 30652005; Invitae). This suggests that this residue is clinically significant, and that variants that disrupt this residue are likely to be disease-causing. In summary, the currently available evidence indicates that the variant is pathogenic, but additional data are needed to prove that conclusively. Therefore, this variant has been classified as Likely Pathogenic.

Literature cited by the submitters: PubMed 30652005.